The following is an entry in ClinVar:

NM_138409.4(MRAP2):c.521A>G (p.Gln174Arg)

Gene: MRAP2 (melanocortin 2 receptor accessory protein 2; plus strand). Cytogenetic location: 6q14.2.
Variant type: single nucleotide variant.
Coding change: c.521A>G on transcript NM_138409.4 (MANE Select); coding-DNA position 521, A replaced by G.
Protein change: p.Gln174Arg; replaces glutamine 174 with arginine.
Molecular consequence: missense variant.
Genome position (GRCh38, 1-based): chr6:84,089,384, A>G. VCF-style: chr6-84089384-A-G. GRCh37 (hg19) VCF-style: chr6-84799103-A-G.
Other names: c.263A>G, p.Gln88Arg (NM_001346541.2); c.521A>G, p.Gln174Arg (NM_001346542.2, NM_001346544.2); c.356A>G, p.Gln119Arg (NM_001346543.2); short protein forms Q119R, Q174R, Q88R.
Identifiers: ClinVar variation 2629315 (VCV002629315.5), dbSNP rs774807802, ClinGen allele CA3909672.

ClinVar aggregate classification (germline): Uncertain significance. Review status: criteria provided, single submitter (1 of 4 stars). 2 submissions from 2 submitters: Uncertain significance (1). 1 of the submissions does not count toward it. Last evaluated 2025-05-26.

Conditions:
MRAP2-related disorder. Also called: MRAP2-related condition.

Allele frequency attached by ClinVar (database versions not stated): ExAC 0.00007; TOPMed 0.00008; gnomAD 0.00005; gnomAD exomes 0.00005.

Submissions (2):

Labcorp Genetics (formerly Invitae), Labcorp
Classification: Uncertain significance. Last evaluated: 2025-05-26. Review status: criteria provided, single submitter. Criteria: Invitae Variant Classification Sherloc (09022015). Collection method: clinical testing. Allele origin: germline.
Comment: This sequence change replaces glutamine, which is neutral and polar, with arginine, which is basic and polar, at codon 174 of the MRAP2 protein (p.Gln174Arg). This variant is present in population databases (rs774807802, gnomAD 0.2%), and has an allele count higher than expected for a pathogenic variant. This missense change has been observed in individual(s) with obesity (PMID: 27474872). ClinVar contains an entry for this variant (Variation ID: 2629315). An algorithm developed to predict the effect of missense changes on protein structure and function (PolyPhen-2) suggests that this variant is likely to be disruptive. Experimental studies have shown that this missense change affects MRAP2 function (PMID: 27474872). In summary, the available evidence is currently insufficient to determine the role of this variant in disease. Therefore, it has been classified as a Variant of Uncertain Significance.

PreventionGenetics, part of Exact Sciences
Classification: Uncertain significance for MRAP2-related condition. Last evaluated: 2024-06-03. Review status: no assertion criteria provided. Collection method: clinical testing. Allele origin: germline. Not counted in ClinVar's aggregate classification.
Comment: The MRAP2 c.521A>G variant is predicted to result in the amino acid substitution p.Gln174Arg. This variant was reported in a child with obesity, and in vitro functional studies suggested it leads to reduced MC4R function (Table 1 and Figure 3, Schonnop et al 2016. PubMed ID: 27474872). However, this variant is reported in 0.17% of alleles in individuals of Ashkenazi Jewish descent in gnomAD, and no follow up studies have confirmed the role of this relatively common variant in contributing to autosomal dominant susceptibility to obesity. At this time, the clinical significance of this variant is uncertain due to the absence of conclusive functional and genetic evidence.

Literature cited by the submitters: PubMed 27474872 (cited by Labcorp Genetics (formerly Invitae), Labcorp).